The following is an entry in ClinVar:

ClinVar aggregate classification (germline): Pathogenic (1 of 4 stars; one submission).

Conditions:
CHARGE syndrome (CHARGE). Also called: Hittner Hirsch Kreh syndrome; CHARGE ASSOCIATION--COLOBOMA, HEART ANOMALY, CHOANAL ATRESIA, RETARDATION, GENITAL AND EAR ANOMALIES; Coloboma, heart anomaly, choanal atresia, retardation, genital and ear anomalies; CHARGE association; Hall-Hittner syndrome. Identifiers: Orphanet 138, MedGen C0265354, MONDO:0008965.

Submission:

Labcorp Genetics (formerly Invitae), Labcorp
Classification: Pathogenic for CHARGE syndrome. Last evaluated: 2017-03-10. Review status: criteria provided, single submitter. Criteria: Invitae Variant Classification Sherloc (09022015). Collection method: clinical testing. Allele origin: germline.
Comment: This sequence change creates a premature translational stop signal at codon 1164 (p.Gln1164*) of the CHD7 gene. It is expected to result in an absent or disrupted protein product. While this particular variant has not been reported in the literature, loss-of-function variants in CHD7 are known to be pathogenic (PMID: 16400610, 22461308). For these reasons, this variant has been classified as Pathogenic.

Literature cited by the submitters: PubMed 16400610; PubMed 22461308.

NM_017780.4(CHD7):c.3490C>T (p.Gln1164Ter)

Gene: CHD7 (chromodomain helicase DNA binding protein 7; plus strand). Cytogenetic location: 8q12.2.
Variant type: single nucleotide variant.
Coding change: c.3490C>T on transcript NM_017780.4 (MANE Select); coding-DNA position 3490, C replaced by T.
Protein change: p.Gln1164Ter; replaces glutamine 1164 with a stop codon.
Molecular consequence: nonsense. On other transcripts: intron variant (1).
Genome position (GRCh38, 1-based): chr8:60,828,774, C>T. VCF-style: chr8-60828774-C-T. GRCh37 (hg19) VCF-style: chr8-61741333-C-T.
Other names: c.1717-33455C>T (NM_001316690.1); short protein forms Q1164*.
Identifiers: ClinVar variation 459546 (VCV000459546.2), dbSNP rs1554599065, ClinGen allele CA371314358.
Genomic context (GRCh38, chr8:60,828,774, plus strand): 5'-CTCTTCAGCTTGCTTCATTTCTTGGAACCAAGTCGCTTCCCTTCAGAAACCACATTTATG[C>T]AAGAATTTGGTGATCTAAAAACAGAAGAGCAGGTATTTATCAGCTCCACTTTGTATTTCA-3'